The following is an entry in ClinVar:

ClinVar aggregate classification (germline): Pathogenic. Review status: criteria provided, multiple submitters, no conflicts (2 of 4 stars). 3 submissions from 3 submitters: Pathogenic (2). 1 of the submissions does not count toward it. Last evaluated 2023-11-17.

Conditions:
Renal cysts and diabetes syndrome (RCAD). Also called: Familial hypoplastic, glomerulocystic kidney; MATURITY-ONSET DIABETES OF THE YOUNG, TYPE 5. Identifiers: Orphanet 93111, MedGen C0431693, MONDO:0007669, OMIM 137920.

Submissions (3):

GeneDx
Classification: Pathogenic. Last evaluated: 2023-11-17. Review status: criteria provided, single submitter. Criteria: GeneDx Variant Classification Process June 2021. Collection method: clinical testing. Allele origin: germline. Affected: yes.
Comment: Reported in affected individuals from a single family with small kidneys, renal impairment, and early-onset diabetes (PMID: 11085914); Nonsense variant predicted to result in protein truncation or nonsense mediated decay in a gene for which loss of function is a known mechanism of disease; Not observed at significant frequency in large population cohorts (gnomAD); This variant is associated with the following publications: (PMID: 36208343, 11085914)

Institute of Human Genetics, FAU Erlangen, Friedrich-Alexander-Universität Erlangen-Nürnberg
Classification: Pathogenic for Renal cysts and diabetes syndrome. Last evaluated: 2019-07-06. Review status: criteria provided, single submitter. Criteria: ACMG Guidelines, 2015. Collection method: literature only. Allele origin: germline. Affected: yes.
Comment: This variant and it's classification has been reported by Vasileiou et al. 2019; DOI:10.1101/576918. The variants has previously been reported in ClinVar:12638; PMID:25700310; PMID:11085914; PMID:25536396 as "NM_000458.3(HNF1B):c.301G>T (p.Glu101Ter); c.301G>T; c.301G>T" with clinical significance Pathogenic. It has been re-classified using InterVar and manual curation as Pathogenic based on PVS1 PM2 PP3.

OMIM
Classification: Pathogenic for RENAL CYSTS AND DIABETES SYNDROME. Last evaluated: 2001-01-01. Review status: no assertion criteria provided. Collection method: literature only. Allele origin: germline. Not counted in ClinVar's aggregate classification.

Literature cited by the submitters: PubMed 25700310 (cited by Institute of Human Genetics, FAU Erlangen, Friedrich-Alexander-Universität Erlangen-Nürnberg); PubMed 11085914 (cited by Institute of Human Genetics, FAU Erlangen, Friedrich-Alexander-Universität Erlangen-Nürnberg and OMIM); PubMed 25536396 (cited by Institute of Human Genetics, FAU Erlangen, Friedrich-Alexander-Universität Erlangen-Nürnberg); DOI 10.1101/576918 (cited by Institute of Human Genetics, FAU Erlangen, Friedrich-Alexander-Universität Erlangen-Nürnberg); PubMed 7151342 (cited by OMIM).

NM_000458.4(HNF1B):c.301G>T (p.Glu101Ter)

Gene: HNF1B (HNF1 homeobox B; minus strand). Cytogenetic location: 17q12.
Variant type: single nucleotide variant.
Coding change: c.301G>T on transcript NM_000458.4 (MANE Select); coding-DNA position 301, G replaced by T.
Protein change: p.Glu101Ter; replaces glutamic acid 101 with a stop codon.
Molecular consequence: nonsense.
Genome position (GRCh38, 1-based): chr17:37,744,584, C>A on the plus strand (G>T on the coding strand, the complement: HNF1B is on the minus strand). VCF-style: chr17-37744584-C-A. GRCh37 (hg19) VCF-style: chr17-36104575-C-A.
Other names: c.301G>T, p.Glu101Ter (NM_001165923.4, NM_001304286.2); c.301G>T (NM_000458.2); short protein forms E101*.
Identifiers: ClinVar variation 12638 (VCV000012638.5), dbSNP rs121918671, ClinGen allele CA122599.